The following is an entry in ClinVar:

NM_000520.6(HEXA):c.445T>C (p.Ser149Pro)

Gene: HEXA (hexosaminidase subunit alpha; minus strand). Cytogenetic location: 15q23.
Variant type: single nucleotide variant.
Coding change: c.445T>C on transcript NM_000520.6 (MANE Select); coding-DNA position 445, T replaced by C.
Protein change: p.Ser149Pro; replaces serine 149 with proline.
Molecular consequence: missense variant. On other transcripts: non-coding transcript variant (1).
Genome position (GRCh38, 1-based): chr15:72,353,705, A>G on the plus strand (T>C on the coding strand, the complement: HEXA is on the minus strand). VCF-style: chr15-72353705-A-G. GRCh37 (hg19) VCF-style: chr15-72646046-A-G.
Other names: c.478T>C, p.Ser160Pro (NM_001318825.2); c.445T>C (NM_000520.4); short protein forms S149P, S160P.
Identifiers: ClinVar variation 4069141 (VCV004069141.2).

ClinVar aggregate classification (germline): Uncertain significance. Review status: criteria provided, single submitter (1 of 4 stars). 2 submissions from 2 submitters: Uncertain significance (1). 1 of the submissions does not count toward it. Last evaluated 2025-12-30.

Conditions:
Tay-Sachs disease (TSD). Also called: HEXA DEFICIENCY; GM2 gangliosidosis, type 1; Hexosaminidase alpha-subunit deficiency (variant B); Sphingolipidosis, Tay-Sachs; HEXA Disorders; Hexosaminidase A Deficiency. Identifiers: Orphanet 845, MedGen C0039373, MONDO:0010100, OMIM 272800.
Inborn genetic diseases. Identifiers: MedGen C0950123, MeSH D030342.

gnomAD v4.1: 1 of 1,613,208 alleles (0.000062%); no homozygotes.

Submissions (2):

Ambry Genetics
Classification: Uncertain significance for Inborn genetic diseases. Last evaluated: 2025-12-30. Review status: criteria provided, single submitter. Criteria: Ambry Variant Classification Scheme 2023. Collection method: clinical testing. Allele origin: germline.
Comment: The p.S149P variant (also known as c.445T>C), located in coding exon 4 of the HEXA gene, results from a T to C substitution at nucleotide position 445. The serine at codon 149 is replaced by proline, an amino acid with similar properties. This amino acid position is conserved. In addition, the in silico prediction for this alteration is inconclusive. Based on the available evidence, the clinical significance of this variant remains unclear.

Natera, Inc.
Classification: Uncertain significance for Tay-Sachs disease. Last evaluated: 2025-04-17. Review status: no assertion criteria provided. Collection method: clinical testing. Allele origin: germline. Not counted in ClinVar's aggregate classification.